The following is an entry in ClinVar:

ClinVar aggregate classification (germline): Benign. Review status: criteria provided, single submitter (1 of 4 stars). 2 submissions from 1 submitter: Benign (2). Last evaluated 2018-01-13.

Conditions:
Susceptibility to mononeuropathy of the median nerve, mild. Also called: CARPAL TUNNEL SYNDROME, SUSCEPTIBILITY TO. Identifiers: MedGen C3150596, MONDO:0013237, OMIM 613353.
Charcot-Marie-Tooth disease type 4C (CMT4C). Also called: CHARCOT-MARIE-TOOTH DISEASE, DEMYELINATING, TYPE 4C; SH3TC2-Related Hereditary Motor and Sensory Neuropathy; Charcot-Marie-Tooth Neuropathy Type 4C (CMT4C); CHARCOT-MARIE-TOOTH DISEASE, DEMYELINATING, AUTOSOMAL RECESSIVE, TYPE 4C; CMT 4C. Identifiers: Orphanet 99949, MedGen C1866636, MONDO:0011113, OMIM 601596.

Allele frequency attached by ClinVar (database versions not stated): gnomAD 0.00460 and 0.00491; TOPMed 0.00521; 1000 Genomes Project 0.00739; 1000 Genomes Project 30x 0.00765.
gnomAD v4.1: 691 of 152,352 alleles (0.45%); highest among the groups gnomAD compares: African/African-American, 1.6%; 5 homozygotes.

Submissions (2):

Illumina Laboratory Services, Illumina
Classification: Benign for Susceptibility to mononeuropathy of the median nerve, mild. Last evaluated: 2018-01-13. Review status: criteria provided, single submitter. Criteria: ICSL Variant Classification Criteria 13 December 2019. Collection method: clinical testing. Allele origin: germline.
Comment: This variant was observed in the ICSL laboratory as part of a predisposition screen in an ostensibly healthy population. It had not been previously curated by ICSL or reported in the Human Gene Mutation Database (HGMD: prior to June 1st, 2018), and was therefore a candidate for classification through an automated scoring system. Utilizing variant allele frequency, disease prevalence and penetrance estimates, and inheritance mode, an automated score was calculated to assess if this variant is too frequent to cause the disease. Based on the score and internal cut-off values, a variant classified as benign is not then subjected to further curation. The score for this variant resulted in a classification of benign for this disease.

Illumina Laboratory Services, Illumina
Classification: Benign for Charcot-Marie-Tooth disease type 4C. Last evaluated: 2018-01-13. Review status: criteria provided, single submitter. Criteria: ICSL Variant Classification Criteria 13 December 2019. Collection method: clinical testing. Allele origin: germline.
Comment: the same text as in the submission from Illumina Laboratory Services, Illumina above.

NM_024577.4(SH3TC2):c.*7251A>G

Gene: SH3TC2 (SH3 domain and tetratricopeptide repeats 2; minus strand). Cytogenetic location: 5q32.
Variant type: single nucleotide variant.
Coding change: c.*7251A>G on transcript NM_024577.4 (MANE Select); 7251 bases downstream of the stop codon, A replaced by G.
Molecular consequence: 3 prime UTR variant.
Genome position (GRCh38, 1-based): chr5:148,997,460, T>C on the plus strand (A>G on the coding strand, the complement: SH3TC2 is on the minus strand). VCF-style: chr5-148997460-T-C. GRCh37 (hg19) VCF-style: chr5-148377023-T-C.
Identifiers: ClinVar variation 905219 (VCV000905219.4), dbSNP rs73795731, ClinGen allele CA128990401.